The following is an entry in ClinVar:

NM_033380.3(COL4A5):c.1303G>C (p.Gly435Arg)

Gene: COL4A5 (collagen type IV alpha 5 chain; plus strand). Cytogenetic location: Xq22.3.
Variant type: single nucleotide variant.
Coding change: c.1303G>C on transcript NM_033380.3 (MANE Select); coding-DNA position 1303, G replaced by C.
Protein change: p.Gly435Arg; replaces glycine 435 with arginine.
Molecular consequence: missense variant.
Genome position (GRCh38, 1-based): chrX:108,591,195, G>C. VCF-style: chrX-108591195-G-C. GRCh37 (hg19) VCF-style: chrX-107834425-G-C.
Other names: c.1303G>C, p.Gly435Arg (NM_000495.5); short protein forms G435R.
Identifiers: ClinVar variation 2681782 (VCV002681782.2), dbSNP rs2524283023.

ClinVar aggregate classification (germline): Uncertain significance (1 of 4 stars; one submission).

Conditions:
X-linked Alport syndrome (ATS1). Also called: NEPHROPATHY AND DEAFNESS, X-LINKED; COL4A5-Related Nephropathy. Identifiers: Orphanet 63, Orphanet 88917, MedGen C4746986, MONDO:0010520, OMIM 301050.

Submission:

Precision Medicine Center, Zhengzhou University
Classification: Uncertain significance for X-linked Alport syndrome. Last evaluated: 2023-12-01. Review status: criteria provided, single submitter. Criteria: ACMG Guidelines, 2015. Collection method: clinical testing. Allele origin: maternal. Affected: yes.
Comment: PM2_p,PP3